The following is an entry in ClinVar:

ClinVar aggregate classification (germline): Uncertain significance. Review status: criteria provided, multiple submitters, no conflicts (2 of 4 stars). 3 submissions from 3 submitters: Uncertain significance (2). 1 of the submissions does not count toward it. Last evaluated 2022-08-09.

Conditions:
Peroxisome biogenesis disorder, complementation group 7 (CG7). Also called: Peroxisome biogenesis disorder, complementation group B. Identifiers: MedGen C1864399.
PEX10-related disorder. Also called: PEX10-related condition.
Inborn genetic diseases. Identifiers: MedGen C0950123, MeSH D030342.

Allele frequency attached by ClinVar (database versions not stated): gnomAD 0.00001; TOPMed 0.00006; gnomAD exomes 0.00009.
gnomAD v4.1: 111 of 1,401,560 alleles (0.0079%); highest among the groups gnomAD compares: Middle Eastern, 0.026%; no homozygotes.

Submissions (3):

Labcorp Genetics (formerly Invitae), Labcorp
Classification: Uncertain significance for Peroxisome biogenesis disorder, complementation group 7. Last evaluated: 2022-08-09. Review status: criteria provided, single submitter. Criteria: Invitae Variant Classification Sherloc (09022015). Collection method: clinical testing. Allele origin: germline.
Comment: This sequence change replaces histidine, which is basic and polar, with glutamine, which is neutral and polar, at codon 34 of the PEX10 protein (p.His34Gln). This variant is present in population databases (rs766291975, gnomAD 0.007%). This variant has not been reported in the literature in individuals affected with PEX10-related conditions. Algorithms developed to predict the effect of missense changes on protein structure and function (SIFT, PolyPhen-2, Align-GVGD) all suggest that this variant is likely to be tolerated. Algorithms developed to predict the effect of sequence changes on RNA splicing suggest that this variant may create or strengthen a splice site. In summary, the available evidence is currently insufficient to determine the role of this variant in disease. Therefore, it has been classified as a Variant of Uncertain Significance.

Ambry Genetics
Classification: Uncertain significance for Inborn genetic diseases. Last evaluated: 2021-09-30. Review status: criteria provided, single submitter. Criteria: Ambry Variant Classification Scheme 2023. Collection method: clinical testing. Allele origin: germline.

PreventionGenetics, part of Exact Sciences
Classification: Uncertain significance for PEX10-related condition. Last evaluated: 2024-01-17. Review status: no assertion criteria provided. Collection method: clinical testing. Allele origin: germline. Not counted in ClinVar's aggregate classification.
Comment: The PEX10 c.102C>G variant is predicted to result in the amino acid substitution p.His34Gln. To our knowledge, this variant has not been reported in the literature. This variant is reported in 0.0066% of alleles in individuals of European (Non-Finnish) descent in gnomAD. At this time, the clinical significance of this variant is uncertain due to the absence of conclusive functional and genetic evidence.

NM_002617.4(PEX10):c.102C>G (p.His34Gln)

Gene: PEX10 (peroxisomal biogenesis factor 10; minus strand). Cytogenetic location: 1p36.32.
Variant type: single nucleotide variant.
Coding change: c.102C>G on transcript NM_002617.4 (MANE Select); coding-DNA position 102, C replaced by G.
Protein change: p.His34Gln; replaces histidine 34 with glutamine.
Molecular consequence: missense variant. On other transcripts: intron variant (2).
Genome position (GRCh38, 1-based): chr1:2,412,401, G>C on the plus strand (C>G on the coding strand, the complement: PEX10 is on the minus strand). VCF-style: chr1-2412401-G-C. GRCh37 (hg19) VCF-style: chr1-2343840-G-C.
Other names: c.102C>G, p.His34Gln (NM_001374425.1, NM_153818.2); c.-321+1196C>G (NM_001374427.1, NM_001374426.1); short protein forms H34Q.
Identifiers: ClinVar variation 2040996 (VCV002040996.4), dbSNP rs766291975, ClinGen allele CA538311.